The following is an entry in ClinVar:

ClinVar aggregate classification (germline): Benign/Likely benign. Review status: criteria provided, multiple submitters, no conflicts (2 of 4 stars). 5 submissions from 5 submitters: Benign (4); Likely benign (1). Last evaluated 2026-01-28.

Conditions:
Connective tissue disorder. Also called: Connective tissue disease. Identifiers: MedGen C0009782, MONDO:0003900.
Congenital contractural arachnodactyly (CCA). Also called: BEALS SYNDROME; Beals-Hecht syndrome; Arthrogryposis, distal, type 9. Identifiers: Orphanet 115, MedGen C0220668, MONDO:0007363, OMIM 121050.

Allele frequency attached by ClinVar (database versions not stated): gnomAD 0.00113 and 0.00120; TOPMed 0.00132; ESP Exome Variant Server 0.00154; ExAC 0.00164; gnomAD exomes 0.00174.
gnomAD v4.1: 1,562 of 1,601,448 alleles (0.098%); highest among the groups gnomAD compares: Middle Eastern, 0.049%; 19 homozygotes.

Submissions (6):

Labcorp Genetics (formerly Invitae), Labcorp
Classification: Benign for Congenital contractural arachnodactyly. Last evaluated: 2026-01-28. Review status: criteria provided, single submitter. Criteria: Invitae Variant Classification Sherloc (09022015). Collection method: clinical testing. Allele origin: germline.

ARUP Laboratories, Molecular Genetics and Genomics, ARUP Laboratories
Classification: Benign. Last evaluated: 2023-09-14. Review status: criteria provided, single submitter. Criteria: ARUP Molecular Germline Variant Investigation Process 2024. Collection method: clinical testing. Allele origin: germline.

Women's Health and Genetics/Laboratory Corporation of America, LabCorp
Classification: Benign. Last evaluated: 2023-07-21. Review status: criteria provided, single submitter. Criteria: LabCorp Variant Classification Summary - May 2015. Collection method: clinical testing. Allele origin: germline.

Center for Human Genetics, Inc
Classification: Likely benign for Connective tissue disorder. Last evaluated: 2016-11-01. Review status: criteria provided, single submitter. Criteria: ACMG Guidelines, 2015. Collection method: clinical testing. Allele origin: germline. Affected: yes.

GeneDx
Classification: Benign. Last evaluated: 2013-09-13. Review status: criteria provided, single submitter. Criteria: GeneDx Variant Classification (06012015). Collection method: clinical testing. Allele origin: germline. Affected: yes.
Comment: This variant is considered likely benign or benign based on one or more of the following criteria: it is a conservative change, it occurs at a poorly conserved position in the protein, it is predicted to be benign by multiple in silico algorithms, and/or has population frequency not consistent with disease.

Dr. Peter K. Rogan Lab, Western University
No classification provided (evidence only). Condition: Sarcoma. Review status: no classification provided. Collection method: in vitro. Allele origin: not applicable. Functional consequence: retained intron. Not counted in ClinVar's aggregate classification.

NM_001999.4(FBN2):c.255-18C>A

Gene: FBN2 (fibrillin 2; minus strand). Cytogenetic location: 5q23.3.
Variant type: single nucleotide variant.
Coding change: c.255-18C>A on transcript NM_001999.4 (MANE Select); 18 bases into the intron before coding-DNA position 255, C replaced by A.
Molecular consequence: intron variant.
Genome position (GRCh38, 1-based): chr5:128,536,502, G>T on the plus strand (C>A on the coding strand, the complement: FBN2 is on the minus strand). VCF-style: chr5-128536502-G-T. GRCh37 (hg19) VCF-style: chr5-127872195-G-T.
Identifiers: ClinVar variation 137327 (VCV000137327.20), dbSNP rs200300875, ClinGen allele CA290869.